The following is an entry in ClinVar:

ClinVar aggregate classification (germline): Uncertain significance (1 of 4 stars; one submission).

Submission:

GeneDx
Classification: Uncertain significance. Last evaluated: 2019-05-21. Review status: criteria provided, single submitter. Criteria: GeneDx Variant Classification Process June 2021. Collection method: clinical testing. Allele origin: germline. Affected: yes.
Comment: Not observed in large population cohorts (Lek et al., 2016); In silico analysis, which includes protein predictors and evolutionary conservation, supports a deleterious effect; Has not been previously published as pathogenic or benign to our knowledge

NM_005529.7(HSPG2):c.4445T>C (p.Leu1482Pro)

Gene: HSPG2 (heparan sulfate proteoglycan 2; minus strand). Cytogenetic location: 1p36.12.
Variant type: single nucleotide variant.
Coding change: c.4445T>C on transcript NM_005529.7 (MANE Select); coding-DNA position 4445, T replaced by C.
Protein change: p.Leu1482Pro; replaces leucine 1482 with proline.
Molecular consequence: missense variant.
Genome position (GRCh38, 1-based): chr1:21,865,024, A>G on the plus strand (T>C on the coding strand, the complement: HSPG2 is on the minus strand). VCF-style: chr1-21865024-A-G. GRCh37 (hg19) VCF-style: chr1-22191517-A-G.
Other names: c.4448T>C, p.Leu1483Pro (NM_001291860.2); short protein forms L1482P, L1483P.
Identifiers: ClinVar variation 1302729 (VCV001302729.2), dbSNP rs2152736395, ClinGen allele CA338955258.
Genomic context (GRCh38, chr1:21,865,024, plus strand): 5'-AGCGGCACGGAGGAGAACGTGGCCCGGATCAGGAGCTCATCCAGGTCGGCCAGTGCCATC[A>G]GGAGGTGCTCGCGTGTGGCCGGCTGCCCATCGGGCCGGCGCCAGAATTCCTGGGTTGGGG-3'
Protein context (NP_005520.4, residues 1472-1492): DGQPATREHL[Leu1482Pro]MALADLDELL